The following is an entry in ClinVar:

NM_001130438.3(SPTAN1):c.1035G>T (p.Gln345His)

Gene: SPTAN1 (spectrin alpha, non-erythrocytic 1; plus strand). Cytogenetic location: 9q34.11.
Variant type: single nucleotide variant.
Coding change: c.1035G>T on transcript NM_001130438.3 (MANE Select); coding-DNA position 1035, G replaced by T.
Protein change: p.Gln345His; replaces glutamine 345 with histidine.
Molecular consequence: missense variant.
Genome position (GRCh38, 1-based): chr9:128,577,456, G>T. VCF-style: chr9-128577456-G-T. GRCh37 (hg19) VCF-style: chr9-131339735-G-T.
Other names: c.1035G>T, p.Gln345His (NM_001195532.2, NM_001363759.2, NM_001363765.2 and 5 more transcripts); c.1071G>T, p.Gln357His (NM_001375312.2, NM_001375318.1); short protein forms Q357H, Q345H.
Identifiers: ClinVar variation 1503712 (VCV001503712.7), dbSNP rs2131015592, ClinGen allele CA375049759.
Genomic context (GRCh38, chr9:128,577,456, plus strand): 5'-CCCTCTGAGTGCAACACAGATTCAAGTGAAGCGAGAGGAACTGATTACAAACTGGGAGCA[G>T]ATCCGCACCTTGGCGGCAGAGAGACATGCACGGCTCAATGATTCATACAGGTGCAAATAA-3'
Protein context (NP_001123910.1, residues 335-355): KREELITNWE[Gln345His]IRTLAAERHA

ClinVar aggregate classification (germline): Uncertain significance (1 of 4 stars; one submission).

Conditions:
Early-infantile DEE. Also called: Early infantile epileptic encephalopathy; Early infantile epileptic encephalopathy with suppression bursts; Ohtahara syndrome. Identifiers: Orphanet 1934, MedGen C0393706, MONDO:0800491.

Submission:

Labcorp Genetics (formerly Invitae), Labcorp
Classification: Uncertain significance for Early-infantile DEE. Last evaluated: 2024-02-17. Review status: criteria provided, single submitter. Criteria: Invitae Variant Classification Sherloc (09022015). Collection method: clinical testing. Allele origin: germline.
Comment: This sequence change replaces glutamine, which is neutral and polar, with histidine, which is basic and polar, at codon 345 of the SPTAN1 protein (p.Gln345His). This variant is not present in population databases (gnomAD no frequency). This variant has not been reported in the literature in individuals affected with SPTAN1-related conditions. ClinVar contains an entry for this variant (Variation ID: 1503712). Advanced modeling of protein sequence and biophysical properties (such as structural, functional, and spatial information, amino acid conservation, physicochemical variation, residue mobility, and thermodynamic stability) has been performed at Invitae for this missense variant, however the output from this modeling did not meet the statistical confidence thresholds required to predict the impact of this variant on SPTAN1 protein function. In summary, the available evidence is currently insufficient to determine the role of this variant in disease. Therefore, it has been classified as a Variant of Uncertain Significance.